The following is an entry in ClinVar:

NM_000264.5(PTCH1):c.3335A>G (p.Asn1112Ser)

Gene: PTCH1 (patched 1; minus strand). Cytogenetic location: 9q22.32.
Variant type: single nucleotide variant.
Coding change: c.3335A>G on transcript NM_000264.5 (MANE Select); coding-DNA position 3335, A replaced by G.
Protein change: p.Asn1112Ser; replaces asparagine 1112 with serine.
Molecular consequence: missense variant. On other transcripts: non-coding transcript variant (1).
Genome position (GRCh38, 1-based): chr9:95,453,592, T>C on the plus strand (A>G on the coding strand, the complement: PTCH1 is on the minus strand). VCF-style: chr9-95453592-T-C. GRCh37 (hg19) VCF-style: chr9-98215874-T-C.
Other names: c.3137A>G, p.Asn1046Ser (NM_001083602.3); c.3332A>G, p.Asn1111Ser (NM_001083603.3); c.2882A>G, p.Asn961Ser (NM_001083604.3, NM_001083605.3, NM_001083606.3 and 1 more transcripts); c.3179A>G, p.Asn1060Ser (NM_001354918.2); short protein forms N1046S, N1060S, N1112S, N1111S, N961S.
Identifiers: ClinVar variation 1730347 (VCV001730347.3), dbSNP rs1225462094, ClinGen allele CA374111876.
Genomic context (GRCh38, chr9:95,453,592, plus strand): 5'-GACACGGCGCCATCCAGGACGGGTGCAAACATGTGCTCCAGGGCAAGCACAGCCCTGCGG[T>C]TCTTGTCGCCGATGGCCGTCAGAAAGGCCTGTGCAATGAGGATGTTCACAAGATCAGGTT-3'
Protein context (NP_000255.2, residues 1102-1122): LAFLTAIGDK[Asn1112Ser]RRAVLALEHM

ClinVar aggregate classification (germline): Uncertain significance (1 of 4 stars; one submission).

Conditions:
Hereditary cancer-predisposing syndrome. Also called: Neoplastic Syndromes, Hereditary; Tumor predisposition; Hereditary Cancer Syndrome; Hereditary neoplastic syndrome. Identifiers: Orphanet 140162, MedGen C0027672, MeSH D009386, MONDO:0015356.

Submission:

Ambry Genetics
Classification: Uncertain significance for Hereditary cancer-predisposing syndrome. Last evaluated: 2024-10-17. Review status: criteria provided, single submitter. Criteria: Ambry Variant Classification Scheme 2023. Collection method: clinical testing. Allele origin: germline.
Comment: The p.N1112S variant (also known as c.3335A>G), located in coding exon 20 of the PTCH1 gene, results from an A to G substitution at nucleotide position 3335. The asparagine at codon 1112 is replaced by serine, an amino acid with highly similar properties. This amino acid position is well conserved in available vertebrate species. In addition, this alteration is predicted to be tolerated by in silico analysis. Since supporting evidence is limited at this time, the clinical significance of this alteration remains unclear.